The following is an entry in ClinVar:

NM_005032.7(PLS3):c.77T>C (p.Leu26Pro)

Gene: PLS3 (plastin 3; plus strand). Cytogenetic location: Xq23.
Variant type: single nucleotide variant.
Coding change: c.77T>C on transcript NM_005032.7 (MANE Select); coding-DNA position 77, T replaced by C.
Protein change: p.Leu26Pro; replaces leucine 26 with proline.
Molecular consequence: missense variant. On other transcripts: 5 prime UTR variant (1).
Genome position (GRCh38, 1-based): chrX:115,622,249, T>C. VCF-style: chrX-115622249-T-C. GRCh37 (hg19) VCF-style: chrX-114856561-T-C.
Other names: c.77T>C, p.Leu26Pro (NM_001136025.5, NM_001172335.3); c.11T>C, p.Leu4Pro (NM_001282337.2); c.-59T>C (NM_001282338.2); short protein forms L26P, L4P.
Identifiers: ClinVar variation 3215464 (VCV003215464.3), dbSNP rs1017191400, ClinGen allele CA334697361.

ClinVar aggregate classification (germline): Uncertain significance. Review status: criteria provided, multiple submitters, no conflicts (2 of 4 stars). 2 submissions from 2 submitters: Uncertain significance (2). Last evaluated 2025-01-31.

Conditions:
Inborn genetic diseases. Identifiers: MedGen C0950123, MeSH D030342.

Allele frequency attached by ClinVar (database versions not stated): TOPMed below 0.00001; gnomAD exomes 0.00002.
gnomAD v4.1: 24 of 1,194,174 alleles (0.002%); highest among the groups gnomAD compares: Non-Finnish European, 0.0024%; no homozygotes.

Submissions (2):

Labcorp Genetics (formerly Invitae), Labcorp
Classification: Uncertain significance. Last evaluated: 2025-01-31. Review status: criteria provided, single submitter. Criteria: Invitae Variant Classification Sherloc (09022015). Collection method: clinical testing. Allele origin: germline.
Comment: This sequence change replaces leucine, which is neutral and non-polar, with proline, which is neutral and non-polar, at codon 26 of the PLS3 protein (p.Leu26Pro). This variant is not present in population databases (gnomAD no frequency). This variant has not been reported in the literature in individuals affected with PLS3-related conditions. ClinVar contains an entry for this variant (Variation ID: 3215464). Invitae Evidence Modeling of protein sequence and biophysical properties (such as structural, functional, and spatial information, amino acid conservation, physicochemical variation, residue mobility, and thermodynamic stability) indicates that this missense variant is not expected to disrupt PLS3 protein function with a negative predictive value of 80%. In summary, the available evidence is currently insufficient to determine the role of this variant in disease. Therefore, it has been classified as a Variant of Uncertain Significance.

Ambry Genetics
Classification: Uncertain significance for Inborn genetic diseases. Last evaluated: 2023-10-10. Review status: criteria provided, single submitter. Criteria: Ambry Variant Classification Scheme 2023. Collection method: clinical testing. Allele origin: germline.